The following is an entry in ClinVar:

ClinVar aggregate classification (germline): Uncertain significance. Review status: criteria provided, multiple submitters, no conflicts (2 of 4 stars). 2 submissions from 2 submitters: Uncertain significance (2). Last evaluated 2022-01-07.

Conditions:
Nephronophthisis. Also called: Juvenile Nephronophthisis. Identifiers: Orphanet 655, MedGen C0687120, MONDO:0019005, HP:0000090.
Senior-Loken syndrome 5 (SLSN5). Identifiers: Orphanet 3156, MedGen C1836517, MONDO:0012225, OMIM 609254.

Allele frequency attached by ClinVar (database versions not stated): gnomAD exomes below 0.00001; ExAC 0.00001; gnomAD 0.00002; TOPMed 0.00004; ESP Exome Variant Server 0.00015.
gnomAD v4.1: 7 of 1,590,938 alleles (0.00044%); highest among the groups gnomAD compares: African/African-American, 0.0054%; no homozygotes.

Submissions (2):

Fulgent Genetics
Classification: Uncertain significance for Senior-Loken syndrome 5. Last evaluated: 2022-01-07. Review status: criteria provided, single submitter. Criteria: ACMG Guidelines, 2015. Collection method: clinical testing. Allele origin: unknown.

Labcorp Genetics (formerly Invitae), Labcorp
Classification: Uncertain significance for Nephronophthisis. Last evaluated: 2020-08-14. Review status: criteria provided, single submitter. Criteria: Invitae Variant Classification Sherloc (09022015). Collection method: clinical testing. Allele origin: germline.
Comment: In summary, the available evidence is currently insufficient to determine the role of this variant in disease. Therefore, it has been classified as a Variant of Uncertain Significance. Algorithms developed to predict the effect of missense changes on protein structure and function are either unavailable or do not agree on the potential impact of this missense change (SIFT: "Deleterious"; PolyPhen-2: "Benign"; Align-GVGD: "Class C0"). This variant has not been reported in the literature in individuals with IQCB1-related conditions. This variant is present in population databases (rs377524012, ExAC 0.01%). This sequence change replaces histidine with arginine at codon 295 of the IQCB1 protein (p.His295Arg). The histidine residue is highly conserved and there is a small physicochemical difference between histidine and arginine.

NM_001023570.4(IQCB1):c.884A>G (p.His295Arg)

Gene: IQCB1 (IQ motif containing B1; minus strand). Cytogenetic location: 3q13.33.
Variant type: single nucleotide variant.
Coding change: c.884A>G on transcript NM_001023570.4 (MANE Select); coding-DNA position 884, A replaced by G.
Protein change: p.His295Arg; replaces histidine 295 with arginine.
Molecular consequence: missense variant. On other transcripts: intron variant (1).
Genome position (GRCh38, 1-based): chr3:121,795,559, T>C on the plus strand (A>G on the coding strand, the complement: IQCB1 is on the minus strand). VCF-style: chr3-121795559-T-C. GRCh37 (hg19) VCF-style: chr3-121514406-T-C.
Other names: c.884A>G, p.His295Arg (NM_001319107.2); c.588-5344A>G (NM_001023571.4); short protein forms H295R.
Identifiers: ClinVar variation 999659 (VCV000999659.9), dbSNP rs377524012, ClinGen allele CA2567256.